The following is an entry in ClinVar:

NM_001348800.3(ZBTB20):c.329dup (p.His111fs)

Gene: ZBTB20 (zinc finger and BTB domain containing 20; minus strand). Cytogenetic location: 3q13.31.
Variant type: Duplication.
Coding change: c.329dup on transcript NM_001348800.3 (MANE Select); coding-DNA position 329, one base duplicated (T; older notation c.329dupT).
Protein change: p.His111fs; shifts the reading frame from histidine 111.
Molecular consequence: frameshift variant.
Genome position (GRCh38, 1-based): chr3:114,351,749, A duplicated on the plus strand (T on the coding strand, the reverse complement: ZBTB20 is on the minus strand). VCF-style (leftmost placement, unchanged base first): chr3-114351748-G-GA. GRCh37 (hg19) VCF-style: chr3-114070595-G-GA.
Other names: c.329dup, p.His111fs (NM_001164342.2, NM_001348803.3); c.110dup, p.His38fs (NM_001164343.2, NM_001164344.4, NM_001164345.4 and 7 more transcripts); short protein forms H111fs, H38fs.
Identifiers: ClinVar variation 985253 (VCV000985253.3), dbSNP rs2080691379, ClinGen allele CA1139658222.

ClinVar aggregate classification (germline): Pathogenic (1 of 4 stars; one submission).

Conditions:
Inborn genetic diseases. Identifiers: MedGen C0950123, MeSH D030342.

Submission:

Ambry Genetics
Classification: Pathogenic for Inborn genetic diseases. Last evaluated: 2023-09-29. Review status: criteria provided, single submitter. Criteria: Ambry Variant Classification Scheme 2023. Collection method: clinical testing. Allele origin: germline.
Comment: The c.329dupT (p.H111Pfs*46) alteration, located in exon 4 (coding exon 3) of the ZBTB20 gene, consists of a duplication of T at position 329, causing a translational frameshift with a predicted alternate stop codon after 46 amino acids. This alteration is expected to result in loss of function by premature protein truncation or nonsense-mediated mRNA decay._x000D_ _x000D_ _x000D_ _x000D_ for ZBTB20-related neurodevelopmental disorder; however, its clinical significance for Primrose syndrome is uncertain. This variant was not reported in population-based cohorts in the Genome Aggregation Database (gnomAD). Based on the available evidence, this alteration is classified as pathogenic.